The following is an entry in ClinVar:

NM_014225.6(PPP2R1A):c.1303-6C>T

Gene: PPP2R1A (protein phosphatase 2 scaffold subunit Aalpha; plus strand). Cytogenetic location: 19q13.41.
Variant type: single nucleotide variant.
Coding change: c.1303-6C>T on transcript NM_014225.6 (MANE Select); 6 bases into the intron before coding-DNA position 1303, C replaced by T.
Molecular consequence: intron variant.
Genome position (GRCh38, 1-based): chr19:52,220,183, C>T. VCF-style: chr19-52220183-C-T. GRCh37 (hg19) VCF-style: chr19-52723436-C-T.
Other names: c.766-6C>T (NM_001363656.2).
Identifiers: ClinVar variation 714811 (VCV000714811.14), dbSNP rs77987409, ClinGen allele CA9621565.
Genomic context (GRCh38, chr19:52,220,183, plus strand): 5'-GGCTAGCAGCTCCCCCTGTTTGCTCTCCTGGAACGCTTACCTTGGAACCCTTGGTTTCTC[C>T]TGTAGGGAGTGGAGTTCTTTGATGAGAAACTTAACTCCTTGTGCATGGCCTGGCTTGTGG-3'

ClinVar aggregate classification (germline): Benign. Review status: criteria provided, multiple submitters, no conflicts (2 of 4 stars). 3 submissions from 3 submitters: Benign (2). 1 of the submissions does not count toward it. Last evaluated 2026-02-03.

Conditions:
PPP2R1A-related disorder.

Allele frequency attached by ClinVar (database versions not stated): gnomAD exomes 0.00098 and 0.00247; ExAC 0.00278; 1000 Genomes Project 0.00899; gnomAD 0.00918 and 0.00996; 1000 Genomes Project 30x 0.00921; TOPMed 0.01045; ESP Exome Variant Server 0.01192.
gnomAD v4.1: 2,864 of 1,613,898 alleles (0.18%); highest among the groups gnomAD compares: African/African-American, 3.3%; 55 homozygotes.

Submissions (3):

Labcorp Genetics (formerly Invitae), Labcorp
Classification: Benign. Last evaluated: 2026-02-03. Review status: criteria provided, single submitter. Criteria: Invitae Variant Classification Sherloc (09022015). Collection method: clinical testing. Allele origin: germline.

Breakthrough Genomics
Classification: Benign. Review status: criteria provided, single submitter. Criteria: ACMG Guidelines, 2015. Collection method: not provided. Allele origin: germline. Inheritance: Autosomal dominant inheritance. Affected: yes.

PreventionGenetics, part of Exact Sciences
Classification: Benign for PPP2R1A-related condition. Last evaluated: 2019-05-10. Review status: no assertion criteria provided. Collection method: clinical testing. Allele origin: germline. Not counted in ClinVar's aggregate classification.
Comment: This variant is classified as benign based on ACMG/AMP sequence variant interpretation guidelines (Richards et al. 2015 PMID: 25741868, with internal and published modifications).